The following is an entry in ClinVar:

NM_020822.3(KCNT1):c.3538G>A (p.Val1180Ile)

Gene: KCNT1 (potassium sodium-activated channel subfamily T member 1; plus strand). Cytogenetic location: 9q34.3.
Variant type: single nucleotide variant.
Coding change: c.3538G>A on transcript NM_020822.3 (MANE Select); coding-DNA position 3538, G replaced by A.
Protein change: p.Val1180Ile; replaces valine 1180 with isoleucine.
Molecular consequence: missense variant.
Genome position (GRCh38, 1-based): chr9:135,791,832, G>A. VCF-style: chr9-135791832-G-A. GRCh37 (hg19) VCF-style: chr9-138683678-G-A.
Other names: c.3466G>A, p.Val1156Ile (NM_001272003.2); c.3538G>A (NM_020822.2); short protein forms V1156I, V1180I.
Identifiers: ClinVar variation 1014642 (VCV001014642.8), dbSNP rs754383898, ClinGen allele CA5327936.

ClinVar aggregate classification (germline): Conflicting classifications of pathogenicity. Review status: criteria provided, conflicting classifications (1 of 4 stars). 2 submissions from 2 submitters: Uncertain significance (1); Likely benign (1). Last evaluated 2025-11-13.

Conditions:
Inborn genetic diseases. Identifiers: MedGen C0950123, MeSH D030342.
Autosomal dominant nocturnal frontal lobe epilepsy 5. Also called: KCNT1-Related Epilepsy; CILIARY DYSKINESIA, PRIMARY, 28, WITHOUT SITUS INVERSUS; CILIARY DYSKINESIA, PRIMARY, 28, WITH SITUS INVERSUS; Epilepsy, nocturnal frontal lobe, 5. Identifiers: Orphanet 98784, MedGen C3554306, MONDO:0014002, OMIM 615005.
Developmental and epileptic encephalopathy, 14 (DEE14). Also called: Early infantile epileptic encephalopathy 14. Identifiers: Orphanet 293181, MedGen C3554195, MONDO:0013989, OMIM 614959.

Allele frequency attached by ClinVar (database versions not stated): gnomAD exomes 0.00001 and 0.00002; gnomAD 0.00002; TOPMed 0.00002; ExAC 0.00005.
gnomAD v4.1: 14 of 1,613,728 alleles (0.00087%); highest among the groups gnomAD compares: East Asian, 0.0022%; no homozygotes.

Submissions (2):

Ambry Genetics
Classification: Likely benign for Inborn genetic diseases. Last evaluated: 2025-11-13. Review status: criteria provided, single submitter. Criteria: Ambry Variant Classification Scheme 2023. Collection method: clinical testing. Allele origin: germline.

Labcorp Genetics (formerly Invitae), Labcorp
Classification: Uncertain significance for Autosomal dominant nocturnal frontal lobe epilepsy 5; Developmental and epileptic encephalopathy, 14. Last evaluated: 2024-12-22. Review status: criteria provided, single submitter. Criteria: Invitae Variant Classification Sherloc (09022015). Collection method: clinical testing. Allele origin: germline.
Comment: This sequence change replaces valine, which is neutral and non-polar, with isoleucine, which is neutral and non-polar, at codon 1180 of the KCNT1 protein (p.Val1180Ile). This variant is present in population databases (rs754383898, gnomAD 0.005%). This variant has not been reported in the literature in individuals affected with KCNT1-related conditions. ClinVar contains an entry for this variant (Variation ID: 1014642). Invitae Evidence Modeling of protein sequence and biophysical properties (such as structural, functional, and spatial information, amino acid conservation, physicochemical variation, residue mobility, and thermodynamic stability) indicates that this missense variant is not expected to disrupt KCNT1 protein function with a negative predictive value of 80%. In summary, the available evidence is currently insufficient to determine the role of this variant in disease. Therefore, it has been classified as a Variant of Uncertain Significance.